The following is an entry in ClinVar:

NM_002637.4(PHKA1):c.79A>C (p.Asn27His)

Gene: PHKA1 (phosphorylase kinase regulatory subunit alpha 1; minus strand). Cytogenetic location: Xq13.1.
Variant type: single nucleotide variant.
Coding change: c.79A>C on transcript NM_002637.4 (MANE Select); coding-DNA position 79, A replaced by C.
Protein change: p.Asn27His; replaces asparagine 27 with histidine.
Molecular consequence: missense variant.
Genome position (GRCh38, 1-based): chrX:72,712,937, T>G on the plus strand (A>C on the coding strand, the complement: PHKA1 is on the minus strand). VCF-style: chrX-72712937-T-G. GRCh37 (hg19) VCF-style: chrX-71932779-T-G.
Other names: c.79A>C, p.Asn27His (NM_001122670.2, NM_001172436.2); short protein forms N27H.
Identifiers: ClinVar variation 91943 (VCV000091943.2), dbSNP rs386352349, ClinGen allele CA232213.

ClinVar aggregate classification (germline): Uncertain significance (0 of 4 stars; one submission).

Submission:

Richard Lifton Laboratory, Yale University School of Medicine
Classification: Uncertain significance. Review status: no assertion criteria provided. Collection method: not provided. Allele origin: somatic.
Comment: PHKA1
ClinVar note: Converted during submission from unknown to Uncertain significance.